The following is an entry in ClinVar:

NM_000350.3(ABCA4):c.5318C>A (p.Ala1773Glu)

Gene: ABCA4 (ATP binding cassette subfamily A member 4; minus strand). Cytogenetic location: 1p22.1.
Variant type: single nucleotide variant.
Coding change: c.5318C>A on transcript NM_000350.3 (MANE Select); coding-DNA position 5318, C replaced by A.
Protein change: p.Ala1773Glu; replaces alanine 1773 with glutamic acid.
Molecular consequence: missense variant.
Genome position (GRCh38, 1-based): chr1:94,014,685, G>T on the plus strand (C>A on the coding strand, the complement: ABCA4 is on the minus strand). VCF-style: chr1-94014685-G-T. GRCh37 (hg19) VCF-style: chr1-94480241-G-T.
Other names: c.5096C>A, p.Ala1699Glu (NM_001425324.1); short protein forms A1773E, A1699E.
Identifiers: ClinVar variation 940353 (VCV000940353.10), dbSNP rs760549861, ClinGen allele CA341281525.
Genomic context (GRCh38, chr1:94,014,685, plus strand): 5'-ACATAGGCTGTGCTGGGGACATCAAACAGGAAGGATGCTGGGTACATCATGGGAATGACC[G>T]CCCATCTGTGTGAAATGAGACAACTCAGAGTGATGGAGTTCCACATTCCATTCCACCTAC-3'
Protein context (NP_000341.2, residues 1763-1783): LVALLLLYGW[Ala1773Glu]VIPMMYPASF

ClinVar aggregate classification (germline): Pathogenic/Likely pathogenic. Review status: criteria provided, multiple submitters, no conflicts (2 of 4 stars). 2 submissions from 2 submitters: Pathogenic (1); Likely pathogenic (1). Last evaluated 2022-10-13.

Conditions:
ABCA4-related disorder. Also called: ABCA4-related disorders; ABCA4-related condition. Identifiers: MedGen CN239167.

gnomAD v4.1: 5 of 1,614,108 alleles (0.00031%); highest among the groups gnomAD compares: Non-Finnish European, 0.00034%; no homozygotes.

Submissions (2):

Labcorp Genetics (formerly Invitae), Labcorp
Classification: Pathogenic. Last evaluated: 2022-10-13. Review status: criteria provided, single submitter. Criteria: Invitae Variant Classification Sherloc (09022015). Collection method: clinical testing. Allele origin: germline.
Comment: This missense change has been observed in individuals with clinical features of Stargardt disease (PMID: 23143460, 30834176). This sequence change replaces alanine, which is neutral and non-polar, with glutamic acid, which is acidic and polar, at codon 1773 of the ABCA4 protein (p.Ala1773Glu). This variant is not present in population databases (gnomAD no frequency). ClinVar contains an entry for this variant (Variation ID: 940353). Advanced modeling of protein sequence and biophysical properties (such as structural, functional, and spatial information, amino acid conservation, physicochemical variation, residue mobility, and thermodynamic stability) performed at Invitae indicates that this missense variant is expected to disrupt ABCA4 protein function. This variant disrupts the p.Ala1773 amino acid residue in ABCA4. Other variant(s) that disrupt this residue have been determined to be pathogenic (PMID: 18652558, 23419329, 28130426, 29422768). This suggests that this residue is clinically significant, and that variants that disrupt this residue are likely to be disease-causing. For these reasons, this variant has been classified as Pathogenic.

Blueprint Genetics
Classification: Likely pathogenic for ABCA4-related disorders. Last evaluated: 2021-04-12. Review status: criteria provided, single submitter. Criteria: ACMG Guidelines, 2015. Collection method: clinical testing. Allele origin: germline. Affected: yes. Observed: 1 variant allele.

Literature cited by the submitters: PubMed 23143460 (cited by Labcorp Genetics (formerly Invitae), Labcorp); PubMed 30834176 (cited by Labcorp Genetics (formerly Invitae), Labcorp); PubMed 18652558 (cited by Labcorp Genetics (formerly Invitae), Labcorp); PubMed 23419329 (cited by Labcorp Genetics (formerly Invitae), Labcorp); PubMed 28130426 (cited by Labcorp Genetics (formerly Invitae), Labcorp); PubMed 29422768 (cited by Labcorp Genetics (formerly Invitae), Labcorp).